The following is an entry in ClinVar:

NM_004655.4(AXIN2):c.1800del (p.Gly601fs)

Gene: AXIN2 (axin 2; minus strand). Cytogenetic location: 17q24.1.
Variant type: Deletion.
Coding change: c.1800del on transcript NM_004655.4 (MANE Select); coding-DNA position 1800, one base deleted (C; older notation c.1800delC).
Protein change: p.Gly601fs; shifts the reading frame from glycine 601.
Molecular consequence: frameshift variant. On other transcripts: intron variant (1).
Genome position (GRCh38, 1-based): chr17:65,536,976, G deleted on the plus strand (C on the coding strand, the reverse complement: AXIN2 is on the minus strand); the first of 5 consecutive G bases (chr17:65,536,976-65,536,980); deleting any one gives the same sequence. VCF-style (leftmost placement, unchanged base first): chr17-65536975-CG-C. GRCh37 (hg19) VCF-style: chr17-63533093-CG-C.
Other names: c.1800delC (NM_004655.3); c.1712+348del (NM_001363813.1); short protein forms G601fs.
Identifiers: ClinVar variation 2833990 (VCV002833990.4), dbSNP rs2144450313, ClinGen allele CA2576361423.

ClinVar aggregate classification (germline): Conflicting classifications of pathogenicity. Review status: criteria provided, conflicting classifications (1 of 4 stars). 2 submissions from 2 submitters: Pathogenic (1); Uncertain significance (1). Last evaluated 2026-08-28.

Conditions:
Oligodontia-cancer predisposition syndrome. Also called: TOOTH AGENESIS-COLORECTAL CANCER SYNDROME. Identifiers: Orphanet 300576, MedGen C1837750, MONDO:0012075, OMIM 608615. Disease mechanism: loss of function.
Hereditary cancer-predisposing syndrome. Also called: Hereditary Cancer Syndrome; Hereditary neoplastic syndrome; Neoplastic Syndromes, Hereditary; Tumor predisposition. Identifiers: Orphanet 140162, MedGen C0027672, MeSH D009386, MONDO:0015356.

Submissions (2):

Ambry Genetics
Classification: Pathogenic for Hereditary cancer-predisposing syndrome. Last evaluated: 2026-08-28. Review status: criteria provided, single submitter. Criteria: Ambry Variant Classification Scheme 2023. Collection method: clinical testing. Allele origin: germline.
Comment: The c.1800delC pathogenic mutation, located in coding exon 6 of the AXIN2 gene, results from a deletion of one nucleotide at nucleotide position 1800, causing a translational frameshift with a predicted alternate stop codon (p.G601Afs*88). This variant is considered to be rare based on population cohorts in the Genome Aggregation Database (gnomAD). This alteration is expected to result in loss of function by premature protein truncation or nonsense-mediated mRNA decay. As such, this alteration is interpreted as a disease-causing mutation.

Labcorp Genetics (formerly Invitae), Labcorp
Classification: Uncertain significance for Oligodontia-cancer predisposition syndrome. Last evaluated: 2023-04-23. Review status: criteria provided, single submitter. Criteria: Invitae Variant Classification Sherloc (09022015). Collection method: clinical testing. Allele origin: germline.
Comment: In summary, the available evidence is currently insufficient to determine the role of this variant in disease. Therefore, it has been classified as a Variant of Uncertain Significance. Experimental studies and prediction algorithms are not available or were not evaluated, and the functional significance of this variant is currently unknown. This variant has not been reported in the literature in individuals affected with AXIN2-related conditions. This variant is not present in population databases (gnomAD no frequency). This sequence change creates a premature translational stop signal (p.Gly601Alafs*88) in the AXIN2 gene. Loss-of-function variants in AXIN2 are known to be pathogenic (PMID: 21416598, 15042511). However, tissue-specific alternative splicing of AXIN2 gene results in functional isoform lacking in-frame exon 7 (also known as exon 6, PMID: 15735151). For this reason the clinical significance of loss of function variants in exon 7 is currently uncertain.

Literature cited by the submitters: PubMed 21416598 (cited by Labcorp Genetics (formerly Invitae), Labcorp); PubMed 15042511 (cited by Labcorp Genetics (formerly Invitae), Labcorp).